The following is an entry in ClinVar:

NM_006648.4(WNK2):c.3817C>A (p.Pro1273Thr)

Gene: WNK2 (WNK lysine deficient protein kinase 2; plus strand). Cytogenetic location: 9q22.31.
Variant type: single nucleotide variant.
Coding change: c.3817C>A on transcript NM_006648.4 (MANE Select); coding-DNA position 3817, C replaced by A.
Protein change: p.Pro1273Thr; replaces proline 1273 with threonine.
Molecular consequence: missense variant.
Genome position (GRCh38, 1-based): chr9:93,267,866, C>A. VCF-style: chr9-93267866-C-A. GRCh37 (hg19) VCF-style: chr9-96030148-C-A.
Other names: c.3817C>A, p.Pro1273Thr (NM_001282394.3); short protein forms P1273T.
Identifiers: ClinVar variation 4866709 (VCV004866709.1).

ClinVar aggregate classification (germline): Uncertain significance (1 of 4 stars; one submission).

gnomAD v4.1: 1 of 1,610,850 alleles (0.000062%); highest among the groups gnomAD compares: Non-Finnish European, 0.000085%; no homozygotes.

Submission:

Ambry Genetics
Classification: Uncertain significance. Last evaluated: 2026-05-27. Review status: criteria provided, single submitter. Criteria: Ambry Variant Classification Scheme 2023. Collection method: clinical testing. Allele origin: germline.
Comment: The p.P1273T variant (also known as c.3817C>A), located in coding exon 16 of the WNK2 gene, results from a C to A substitution at nucleotide position 3817. The proline at codon 1273 is replaced by threonine, an amino acid with highly similar properties. This amino acid position is conserved. In addition, this alteration is predicted to be tolerated by in silico analysis. Based on the available evidence, the clinical significance of this variant remains unclear.